The following is an entry in ClinVar:

ClinVar aggregate classification (germline): Uncertain significance (1 of 4 stars; one submission).

Conditions:
Hereditary cancer-predisposing syndrome. Also called: Tumor predisposition; Hereditary neoplastic syndrome; Neoplastic Syndromes, Hereditary; Hereditary Cancer Syndrome. Identifiers: Orphanet 140162, MedGen C0027672, MeSH D009386, MONDO:0015356.

Submission:

Ambry Genetics
Classification: Uncertain significance for Hereditary cancer-predisposing syndrome. Last evaluated: 2024-10-14. Review status: criteria provided, single submitter. Criteria: Ambry Variant Classification Scheme 2023. Collection method: clinical testing. Allele origin: germline.
Comment: The p.Q40P variant (also known as c.119A>C), located in coding exon 1 of the FANCC gene, results from an A to C substitution at nucleotide position 119. The glutamine at codon 40 is replaced by proline, an amino acid with similar properties. This amino acid position is not well conserved in available vertebrate species. In addition, this alteration is predicted to be tolerated by in silico analysis. Based on the available evidence, the clinical significance of this variant remains unclear.

NM_000136.3(FANCC):c.119A>C (p.Gln40Pro)

Gene: FANCC (FA complementation group C; minus strand). Cytogenetic location: 9q22.32.
Variant type: single nucleotide variant.
Coding change: c.119A>C on transcript NM_000136.3 (MANE Select); coding-DNA position 119, A replaced by C.
Protein change: p.Gln40Pro; replaces glutamine 40 with proline.
Molecular consequence: missense variant.
Genome position (GRCh38, 1-based): chr9:95,249,173, T>G on the plus strand (A>C on the coding strand, the complement: FANCC is on the minus strand). VCF-style: chr9-95249173-T-G. GRCh37 (hg19) VCF-style: chr9-98011455-T-G.
Other names: c.119A>C, p.Gln40Pro (NM_001243743.2, NM_001243744.2); short protein forms Q40P.
Identifiers: ClinVar variation 818557 (VCV000818557.5), dbSNP rs1368894079, ClinGen allele CA374340294.